The following is an entry in ClinVar:

ClinVar aggregate classification (germline): Likely benign (1 of 4 stars; one submission).

Allele frequency attached by ClinVar (database versions not stated): TOPMed 0.00001; ExAC 0.00002; gnomAD exomes 0.00002.
gnomAD v4.1: 28 of 1,609,760 alleles (0.0017%); highest among the groups gnomAD compares: South Asian, 0.0011%; no homozygotes.

Submission:

CeGaT Center for Human Genetics Tuebingen
Classification: Likely benign. Last evaluated: 2022-07-01. Review status: criteria provided, single submitter. Criteria: CeGaT Center For Human Genetics Tuebingen Variant Classification Criteria Version 2. Collection method: clinical testing. Allele origin: germline. Affected: yes. Observed: 1 variant allele.
Comment: KDM6B: BP4, BP7

NM_001348716.2(KDM6B):c.2196G>A (p.Leu732=)

Gene: KDM6B (lysine demethylase 6B; plus strand). Cytogenetic location: 17p13.1.
Variant type: single nucleotide variant.
Coding change: c.2196G>A on transcript NM_001348716.2 (MANE Select); coding-DNA position 2196, G replaced by A.
Protein change: p.Leu732=; no amino-acid change (leucine 732 retained).
Molecular consequence: synonymous variant.
Genome position (GRCh38, 1-based): chr17:7,848,484, G>A. VCF-style: chr17-7848484-G-A. GRCh37 (hg19) VCF-style: chr17-7751802-G-A.
Other names: c.2196G>A, p.Leu732= (NM_001080424.2).
Identifiers: ClinVar variation 1701306 (VCV001701306.31), dbSNP rs779852167, ClinGen allele CA8360829.